The following is an entry in ClinVar:

NM_001377.3(DYNC2H1):c.1604T>C (p.Phe535Ser)

Gene: DYNC2H1 (dynein cytoplasmic 2 heavy chain 1; plus strand). Cytogenetic location: 11q22.3.
Variant type: single nucleotide variant.
Coding change: c.1604T>C on transcript NM_001377.3 (MANE Select); coding-DNA position 1604, T replaced by C.
Protein change: p.Phe535Ser; replaces phenylalanine 535 with serine.
Molecular consequence: missense variant.
Genome position (GRCh38, 1-based): chr11:103,122,943, T>C. VCF-style: chr11-103122943-T-C. GRCh37 (hg19) VCF-style: chr11-102993672-T-C.
Other names: c.1604T>C, p.Phe535Ser (NM_001080463.2); short protein forms F535S.
Identifiers: ClinVar variation 521417 (VCV000521417.7), dbSNP rs1238325809, ClinGen allele CA382253545.

ClinVar aggregate classification (germline): Conflicting classifications of pathogenicity. Review status: criteria provided, conflicting classifications (1 of 4 stars). 2 submissions from 2 submitters: Likely pathogenic (1); Uncertain significance (1). Last evaluated 2024-07-08.

Conditions:
Inborn genetic diseases. Identifiers: MedGen C0950123, MeSH D030342.
Jeune thoracic dystrophy. Also called: Jeune syndrome; Infantile thoracic dystrophy; Thoracic pelvic phalangeal dystrophy; Jeune's syndrome; Chondroectodermal dysplasia-like syndrome; Short-rib thoracic dysplasia. Identifiers: Orphanet 474, MedGen C0265275, MONDO:0018770.

Allele frequency attached by ClinVar (database versions not stated): gnomAD 0.00001; TOPMed 0.00001.
gnomAD v4.1: 7 of 1,609,414 alleles (0.00043%); highest among the groups gnomAD compares: South Asian, 0.0022%; no homozygotes.

Submissions (2):

Labcorp Genetics (formerly Invitae), Labcorp
Classification: Likely pathogenic for Jeune thoracic dystrophy. Last evaluated: 2024-07-08. Review status: criteria provided, single submitter. Criteria: Invitae Variant Classification Sherloc (09022015). Collection method: clinical testing. Allele origin: germline.
Comment: This sequence change replaces phenylalanine, which is neutral and non-polar, with serine, which is neutral and polar, at codon 535 of the DYNC2H1 protein (p.Phe535Ser). This variant is present in population databases (no rsID available, gnomAD 0.01%). This missense change has been observed in individual(s) with clinical features of DYNC2H1-related conditions (Invitae). In at least one individual the data is consistent with being in trans (on the opposite chromosome) from a pathogenic variant. ClinVar contains an entry for this variant (Variation ID: 521417). Advanced modeling of protein sequence and biophysical properties (such as structural, functional, and spatial information, amino acid conservation, physicochemical variation, residue mobility, and thermodynamic stability) performed at Invitae indicates that this missense variant is expected to disrupt DYNC2H1 protein function with a positive predictive value of 95%. In summary, the currently available evidence indicates that the variant is pathogenic, but additional data are needed to prove that conclusively. Therefore, this variant has been classified as Likely Pathogenic.

Ambry Genetics
Classification: Uncertain significance for Inborn genetic diseases. Last evaluated: 2016-11-25. Review status: criteria provided, single submitter. Criteria: Ambry exome assertion method (8-5-2015). Collection method: clinical testing. Allele origin: germline. Affected: yes. Observed: 1 variant allele.